The following is an entry in ClinVar:

NM_001304771.1(GPRC5B):c.142G>A (p.Ala48Thr)

Gene: GPRC5B (G protein-coupled receptor class C group 5 member B; minus strand). Cytogenetic location: 16p12.3.
Variant type: single nucleotide variant.
Coding change: c.142G>A on transcript NM_001304771.1; coding-DNA position 142, G replaced by A.
Protein change: p.Ala48Thr; replaces alanine 48 with threonine.
Molecular consequence: missense variant.
Genome position (GRCh38, 1-based): chr16:19,885,453, C>T on the plus strand (G>A on the coding strand, the complement: GPRC5B is on the minus strand). VCF-style: chr16-19885453-C-T. GRCh37 (hg19) VCF-style: chr16-19896775-C-T.
Other names: short protein forms A48T.
Identifiers: ClinVar variation 4852702 (VCV004852702.2).

ClinVar aggregate classification (germline): Uncertain significance (1 of 4 stars; one submission).

gnomAD v4.1: 280 of 1,135,132 alleles (0.025%); highest among the groups gnomAD compares: African/African-American, 0.44%; no homozygotes.

Submission:

Dasa
Classification: Uncertain significance. Last evaluated: 2025-11-04. Review status: criteria provided, single submitter. Criteria: DASA Assertion Criteria. Collection method: clinical testing. Allele origin: germline.
Comment: NM_001304771.1(GPRC5B):c.142G>A (p.Ala48Thr) is a missense variant that results in the substitution of alanine with threonine. This variant is rare in population databases. The currently available literature and clinical evidence are not sufficient to establish a definitive association between this variant and the reported condition. Therefore, this variant is classified as a variant of uncertain significance.